The following is an entry in ClinVar:

ClinVar aggregate classification (germline): Uncertain significance (1 of 4 stars; one submission).

Submission:

GeneDx
Classification: Uncertain significance. Last evaluated: 2017-01-09. Review status: criteria provided, single submitter. Criteria: GeneDx Variant Classification (06012015). Collection method: clinical testing. Allele origin: germline. Affected: yes.
Comment: A variant of uncertain significance has been identified in the WWOX gene. The F348L variant has not been published as a pathogenic variant, nor has it been reported as a benign variant to our knowledge. The F348L variant is not observed in large population cohorts (Lek et al., 2016; 1000 Genomes Consortium et al., 2015; Exome Variant Server). This substitution occurs at a position that is conserved across species and in silico analysis predicts this variant is probably damaging to the protein structure/function. However, the F348L variant is a conservative amino acid substitution, which is not likely to impact secondary protein structure as these residues share similar properties.Therefore, based on the currently available information, it is unclear whether this variant is a pathogenic variant or a rare benign variant.

NM_016373.4(WWOX):c.1044C>A (p.Phe348Leu)

Gene: WWOX (WW domain containing oxidoreductase; plus strand). Cytogenetic location: 16q23.1.
Variant type: single nucleotide variant.
Coding change: c.1044C>A on transcript NM_016373.4 (MANE Select); coding-DNA position 1044, C replaced by A.
Protein change: p.Phe348Leu; replaces phenylalanine 348 with leucine.
Molecular consequence: missense variant.
Genome position (GRCh38, 1-based): chr16:78,432,740, C>A. VCF-style: chr16-78432740-C-A. GRCh37 (hg19) VCF-style: chr16-78466637-C-A.
Other names: c.705C>A, p.Phe235Leu (NM_001291997.2); short protein forms F348L, F235L.
Identifiers: ClinVar variation 392841 (VCV000392841.2), dbSNP rs1057524658, ClinGen allele CA16608286.